The following is an entry in ClinVar:

NC_000017.10:g.(41199721_41201137)_(41277501_?)dup

Gene: BRCA1 (BRCA1 DNA repair associated; minus strand). Cytogenetic location: 17q21.31.
Variant type: Duplication.
Identifiers: ClinVar variation 2506340 (VCV002506340.1).

ClinVar aggregate classification (germline): Uncertain significance (1 of 4 stars; one submission).

Submission:

Women's Health and Genetics/Laboratory Corporation of America, LabCorp
Classification: Uncertain significance. Last evaluated: 2023-05-08. Review status: criteria provided, single submitter. Criteria: LabCorp Variant Classification Summary - May 2015. Collection method: clinical testing. Allele origin: germline.
Comment: Variant summary: The variant identified by MLPA or other technology involves the duplication of exons 1-21 in the BRCA1 gene, where exon 2 contains the initiation codon. A presumed nomenclature of c.(?_-233)_(5406+1_5407-1)dup has been designated for the purposes of this classification. It has been assumed that this is a tandem duplication in direct orientation (Richardson_GIM_2018, Newman_AJHG_2015). The variant was absent in 21694 control chromosomes (gnomAD, Structural Variants dataset). The available data on variant occurrences in the general population are insufficient to allow any conclusion about variant significance. c.(?_-233)_(5406+1_5407-1)dup has been reported in the literature in at least one individual affected with Hereditary Breast And Ovarian Cancer Syndrome, however without strong evidence for causality (Rebbeck_2018). This report does not provide unequivocal conclusions about association of the variant with Hereditary Breast And Ovarian Cancer Syndrome. To our knowledge, no experimental evidence demonstrating an impact on protein function has been reported. The following publication has been ascertained in the context of this evaluation (PMID: 29446198). Two ClinVar submitters (evaluation after 2014) have cited the variant: one submitter classified the variant as pathogenic, and one submitter classified the variant as uncertain significance. Based on the evidence outlined above, the variant was classified as uncertain significance.

Literature cited by the submitters: PubMed 29446198.